The following is an entry in ClinVar:

ClinVar aggregate classification (germline): Benign/Likely benign. Review status: criteria provided, multiple submitters, no conflicts (2 of 4 stars). 3 submissions from 3 submitters: Benign (1); Likely benign (2). Last evaluated 2024-10-30.

Conditions:
Inborn genetic diseases. Identifiers: MedGen C0950123, MeSH D030342.

Allele frequency attached by ClinVar (database versions not stated): ExAC 0.00007; gnomAD exomes 0.00009; gnomAD 0.00011; TOPMed 0.00012.
gnomAD v4.1: 226 of 1,614,048 alleles (0.014%); highest among the groups gnomAD compares: Middle Eastern, 0.033%; no homozygotes.

Submissions (3):

Labcorp Genetics (formerly Invitae), Labcorp
Classification: Benign. Last evaluated: 2024-10-30. Review status: criteria provided, single submitter. Criteria: Invitae Variant Classification Sherloc (09022015). Collection method: clinical testing. Allele origin: germline.

Ambry Genetics
Classification: Likely benign for Inborn genetic diseases. Last evaluated: 2023-11-20. Review status: criteria provided, single submitter. Criteria: Ambry Variant Classification Scheme 2023. Collection method: clinical testing. Allele origin: germline.

CeGaT Center for Human Genetics Tuebingen
Classification: Likely benign. Last evaluated: 2023-02-01. Review status: criteria provided, single submitter. Criteria: CeGaT Center For Human Genetics Tuebingen Variant Classification Criteria Version 2. Collection method: clinical testing. Allele origin: germline. Affected: yes. Observed: 1 variant allele.
Comment: ARID1B: BP4

NM_001374828.1(ARID1B):c.1928T>C (p.Ile643Thr)

Gene: ARID1B (AT-rich interaction domain 1B; plus strand). Cytogenetic location: 6q25.3.
Variant type: single nucleotide variant.
Coding change: c.1928T>C on transcript NM_001374828.1 (MANE Select); coding-DNA position 1928, T replaced by C.
Protein change: p.Ile643Thr; replaces isoleucine 643 with threonine.
Molecular consequence: missense variant.
Genome position (GRCh38, 1-based): chr6:156,829,363, T>C. VCF-style: chr6-156829363-T-C. GRCh37 (hg19) VCF-style: chr6-157150497-T-C.
Other names: c.1679T>C (NM_020732.3); c.1928T>C, p.Ile643Thr (NM_001371656.1, NM_001374820.1, NM_017519.3); short protein forms I643T.
Identifiers: ClinVar variation 1376454 (VCV001376454.32), dbSNP rs756050584, ClinGen allele CA4066845.
Genomic context (GRCh38, chr6:156,829,363, plus strand): 5'-AGCAGAGCAGTCCGTACCCAGGAGGTTCCTATGGCCCTCCAGGCCCACAGCGGTATCCAA[T>C]TGGCATCCAGGGTCGGACTCCCGGGGCCATGGCCGGAATGCAGTACCCTCAGCAGCAGGT-3'
Protein context (NP_001361757.1, residues 633-653): YGPPGPQRYP[Ile643Thr]GIQGRTPGAM